The following is an entry in ClinVar:

NM_024496.4(IRF2BPL):c.667G>C (p.Ala223Pro)

Gene: IRF2BPL (interferon regulatory factor 2 binding protein like; minus strand). Cytogenetic location: 14q24.3.
Variant type: single nucleotide variant.
Coding change: c.667G>C on transcript NM_024496.4 (MANE Select); coding-DNA position 667, G replaced by C.
Protein change: p.Ala223Pro; replaces alanine 223 with proline.
Molecular consequence: missense variant.
Genome position (GRCh38, 1-based): chr14:77,027,126, C>G on the plus strand (G>C on the coding strand, the complement: IRF2BPL is on the minus strand). VCF-style: chr14-77027126-C-G. GRCh37 (hg19) VCF-style: chr14-77493469-C-G.
Other names: short protein forms A223P.
Identifiers: ClinVar variation 1305754 (VCV001305754.2), dbSNP rs2139975669, ClinGen allele CA390498880.
Genomic context (GRCh38, chr14:77,027,126, plus strand): 5'-CCGGGTTGGGCAGCCCCGTAACCAGCCCACCGTGCGTTCCACGCCGAGACGCCACCGACG[C>G]CGCCGCTGAAGAAGAATTGGGGCTCTGACGGTTCAGCTCTGGGGGTCCCTCCTCTGGTGT-3'
Protein context (NP_078772.1, residues 213-233): RQSPNSSSAA[Ala223Pro]SVASRRGTHG

ClinVar aggregate classification (germline): Uncertain significance (1 of 4 stars; one submission).

Allele frequency attached by ClinVar (database versions not stated): gnomAD exomes below 0.00001.

Submission:

GeneDx
Classification: Uncertain significance. Last evaluated: 2019-05-22. Review status: criteria provided, single submitter. Criteria: GeneDx Variant Classification Process June 2021. Collection method: clinical testing. Allele origin: germline. Affected: yes.
Comment: Not observed in large population cohorts (Lek et al., 2016); In silico analysis, which includes protein predictors and evolutionary conservation, supports that this variant does not alter protein structure/function; Has not been previously published as pathogenic or benign to our knowledge